The following is an entry in ClinVar:

NM_007194.4(CHEK2):c.679G>A (p.Gly227Arg)

Gene: CHEK2 (checkpoint kinase 2; minus strand). Cytogenetic location: 22q12.1.
Variant type: single nucleotide variant.
Coding change: c.679G>A on transcript NM_007194.4 (MANE Select); coding-DNA position 679, G replaced by A.
Protein change: p.Gly227Arg; replaces glycine 227 with arginine.
Molecular consequence: missense variant. On other transcripts: intron variant (1).
Genome position (GRCh38, 1-based): chr22:28,719,399, C>T on the plus strand (G>A on the coding strand, the complement: CHEK2 is on the minus strand). VCF-style: chr22-28719399-C-T. GRCh37 (hg19) VCF-style: chr22-29115387-C-T.
Other names: c.808G>A, p.Gly270Arg (NM_001005735.3, NM_001438294.1); c.16G>A, p.Gly6Arg (NM_001257387.3, NM_001437942.1); c.772G>A, p.Gly258Arg (NM_001438293.1, NM_001438295.1); c.679G>A, p.Gly227Arg (NM_145862.3); c.482+5487G>A (NM_001349956.3); short protein forms G227R, G270R, G6R, G258R.
Identifiers: ClinVar variation 240750 (VCV000240750.18), dbSNP rs878854920, ClinGen allele CA10583912.

ClinVar aggregate classification (germline): Uncertain significance. Review status: criteria provided, multiple submitters, no conflicts (2 of 4 stars). 3 submissions from 3 submitters: Uncertain significance (3). Last evaluated 2025-10-22.

Conditions:
Hereditary cancer-predisposing syndrome. Also called: Tumor predisposition; Neoplastic Syndromes, Hereditary; Hereditary Cancer Syndrome; Hereditary neoplastic syndrome. Identifiers: Orphanet 140162, MedGen C0027672, MeSH D009386, MONDO:0015356.
Familial cancer of breast. Also called: Hereditary breast cancer; BREAST CANCER, FAMILIAL; hereditary breast carcinoma. Identifiers: Orphanet 227535, MedGen C0346153, MONDO:0016419, OMIM 114480. Disease mechanism: loss of function.

Allele frequency attached by ClinVar (database versions not stated): gnomAD exomes below 0.00001.
gnomAD v4.1: 2 of 1,562,970 alleles (0.00013%); highest among the groups gnomAD compares: Non-Finnish European, 0.00017%; no homozygotes.

Submissions (3):

Ambry Genetics
Classification: Uncertain significance for Hereditary cancer-predisposing syndrome. Last evaluated: 2025-10-22. Review status: criteria provided, single submitter. Criteria: Ambry Variant Classification Scheme 2023. Collection method: clinical testing. Allele origin: germline.
Comment: The p.G227R variant (also known as c.679G>A), located in coding exon 4 of the CHEK2 gene, results from a G to A substitution at nucleotide position 679. The glycine at codon 227 is replaced by arginine, an amino acid with dissimilar properties. This amino acid position is highly conserved in available vertebrate species. In addition, this alteration is predicted to be deleterious by in silico analysis. Since supporting evidence is limited at this time, the clinical significance of this alteration remains unclear.

Labcorp Genetics (formerly Invitae), Labcorp
Classification: Uncertain significance for Familial cancer of breast. Last evaluated: 2025-08-06. Review status: criteria provided, single submitter. Criteria: Invitae Variant Classification Sherloc (09022015). Collection method: clinical testing. Allele origin: germline.
Comment: This sequence change replaces glycine, which is neutral and non-polar, with arginine, which is basic and polar, at codon 227 of the CHEK2 protein (p.Gly227Arg). This variant is not present in population databases (gnomAD no frequency). This variant has not been reported in the literature in individuals affected with CHEK2-related conditions. ClinVar contains an entry for this variant (Variation ID: 240750). An algorithm developed to predict the effect of missense changes on protein structure and function (PolyPhen-2) suggests that this variant is likely to be disruptive. In summary, the available evidence is currently insufficient to determine the role of this variant in disease. Therefore, it has been classified as a Variant of Uncertain Significance.

Baylor Genetics
Classification: Uncertain significance for Familial cancer of breast. Last evaluated: 2023-06-12. Review status: criteria provided, single submitter. Criteria: ACMG Guidelines, 2015. Collection method: clinical testing. Allele origin: unknown.